The following is an entry in ClinVar:

ClinVar aggregate classification (germline): Uncertain significance (1 of 4 stars; one submission).

Conditions:
Tumor predisposition syndrome 3 (TPDS3). Also called: Melanoma, cutaneous malignant, susceptibility to, 10; Glioma susceptibility 9; LONG TELOMERE SYNDROME, POT1-RELATED; POT1 Tumor Predisposition. Identifiers: Orphanet 618, MedGen C4014476, MONDO:0014368, OMIM 615848.

Submission:

Labcorp Genetics (formerly Invitae), Labcorp
Classification: Uncertain significance for Tumor predisposition syndrome 3. Last evaluated: 2024-12-23. Review status: criteria provided, single submitter. Criteria: Invitae Variant Classification Sherloc (09022015). Collection method: clinical testing. Allele origin: germline.
Comment: This sequence change replaces threonine, which is neutral and polar, with serine, which is neutral and polar, at codon 426 of the POT1 protein (p.Thr426Ser). This variant is not present in population databases (gnomAD no frequency). This variant has not been reported in the literature in individuals affected with POT1-related conditions. ClinVar contains an entry for this variant (Variation ID: 2115924). Invitae Evidence Modeling of protein sequence and biophysical properties (such as structural, functional, and spatial information, amino acid conservation, physicochemical variation, residue mobility, and thermodynamic stability) indicates that this missense variant is not expected to disrupt POT1 protein function with a negative predictive value of 80%. In summary, the available evidence is currently insufficient to determine the role of this variant in disease. Therefore, it has been classified as a Variant of Uncertain Significance.

NM_015450.3(POT1):c.1277C>G (p.Thr426Ser)

Gene: POT1 (protection of telomeres 1; minus strand). Cytogenetic location: 7q31.33.
Variant type: single nucleotide variant.
Coding change: c.1277C>G on transcript NM_015450.3 (MANE Select); coding-DNA position 1277, C replaced by G.
Protein change: p.Thr426Ser; replaces threonine 426 with serine.
Molecular consequence: missense variant. On other transcripts: non-coding transcript variant (3).
Genome position (GRCh38, 1-based): chr7:124,841,065, G>C on the plus strand (C>G on the coding strand, the complement: POT1 is on the minus strand). VCF-style: chr7-124841065-G-C. GRCh37 (hg19) VCF-style: chr7-124481119-G-C.
Other names: c.884C>G, p.Thr295Ser (NM_001042594.2); short protein forms T295S, T426S.
Identifiers: ClinVar variation 2115924 (VCV002115924.4), dbSNP rs2485394739, ClinGen allele CA369067171.